The following is an entry in ClinVar:

NM_001267550.2(TTN):c.26200+19A>T

Gene: TTN (titin; minus strand). Cytogenetic location: 2q31.2.
Variant type: single nucleotide variant.
Coding change: c.26200+19A>T on transcript NM_001267550.2 (MANE Select); 19 bases into the intron after coding-DNA position 26200, A replaced by T.
Molecular consequence: intron variant.
Genome position (GRCh38, 1-based): chr2:178,714,967, T>A on the plus strand (A>T on the coding strand, the complement: TTN is on the minus strand). VCF-style: chr2-178714967-T-A. GRCh37 (hg19) VCF-style: chr2-179579694-T-A.
Other names: c.25249+19A>T (NM_001256850.1); c.22468+19A>T (NM_133378.4); c.13282+23115A>T (NM_003319.4); c.13858+23115A>T (NM_133437.4); c.13657+23115A>T (NM_133432.3).
Identifiers: ClinVar variation 137847 (VCV000137847.22), dbSNP rs2562837, ClinGen allele CA303069.

ClinVar aggregate classification (germline): Benign. Review status: criteria provided, multiple submitters, no conflicts (2 of 4 stars). 13 submissions from 10 submitters: Benign (10). 3 of the submissions do not count toward it. Last evaluated 2026-02-04.

Conditions:
Dilated cardiomyopathy 1G (CMD1G). Identifiers: Orphanet 154, MedGen C1858763, MONDO:0011400, OMIM 604145.
Autosomal recessive limb-girdle muscular dystrophy type 2J (LGMDR10). Also called: Limb-girdle muscular dystrophy, type 2J; MUSCULAR DYSTROPHY, LIMB-GIRDLE, AUTOSOMAL RECESSIVE 10. Identifiers: Orphanet 140922, MedGen C1837342, MONDO:0012127, OMIM 608807.
Early-onset myopathy with fatal cardiomyopathy (CMYO5). Also called: Salih Myopathy; CONGENITAL MYOPATHY 5 WITH CARDIOMYOPATHY. Identifiers: Orphanet 289377, MedGen C2673677, MONDO:0012714, OMIM 611705. Disease mechanism: loss of function.
Tibial muscular dystrophy (TMD). Also called: UDD MYOPATHY; Tibial muscular dystrophy, tardive; Udd Distal Myopathy – Tibial Muscular Dystrophy. Identifiers: Orphanet 609, MedGen C1838244, MONDO:0010870, OMIM 600334.
Myopathy, myofibrillar, 9, with early respiratory failure (MFM9). Also called: MYOPATHY, PROXIMAL, WITH EARLY RESPIRATORY MUSCLE INVOLVEMENT; EDSTROM MYOPATHY; Hereditary myopathy with early respiratory failure; Myopathy, distal, with early respiratory failure, autosomal dominant. Identifiers: Orphanet 178464, Orphanet 34521, MedGen C1863599, MONDO:0011362, OMIM 603689.

Allele frequency attached by ClinVar (database versions not stated): gnomAD exomes 0.03151 and 0.04868; gnomAD 0.04519 and 0.04396; 1000 Genomes Project 0.07548; TOPMed 0.04702; 1000 Genomes Project 30x 0.07230; ESP Exome Variant Server 0.03455; ExAC 0.05070.
gnomAD v4.1: 52,395 of 1,589,382 alleles (3.3%); highest among the groups gnomAD compares: East Asian, 19%; 1,676 homozygotes.

Submissions (13):

Labcorp Genetics (formerly Invitae), Labcorp
Classification: Benign for Dilated cardiomyopathy 1G; Autosomal recessive limb-girdle muscular dystrophy type 2J. Last evaluated: 2026-02-04. Review status: criteria provided, single submitter. Criteria: Invitae Variant Classification Sherloc (09022015). Collection method: clinical testing. Allele origin: germline.

Genome-Nilou Lab
Classification: Benign for Autosomal recessive limb-girdle muscular dystrophy type 2J. Last evaluated: 2021-09-10. Review status: criteria provided, single submitter. Criteria: ACMG Guidelines, 2015. Collection method: clinical testing. Allele origin: germline. Affected: no.

Genome-Nilou Lab
Classification: Benign for Myopathy, myofibrillar, 9, with early respiratory failure. Last evaluated: 2021-09-10. Review status: criteria provided, single submitter. Criteria: ACMG Guidelines, 2015. Collection method: clinical testing. Allele origin: germline. Affected: no.

Genome-Nilou Lab
Classification: Benign for Early-onset myopathy with fatal cardiomyopathy. Last evaluated: 2021-09-10. Review status: criteria provided, single submitter. Criteria: ACMG Guidelines, 2015. Collection method: clinical testing. Allele origin: germline. Affected: no.

Genome-Nilou Lab
Classification: Benign for Tibial muscular dystrophy. Last evaluated: 2021-09-10. Review status: criteria provided, single submitter. Criteria: ACMG Guidelines, 2015. Collection method: clinical testing. Allele origin: germline. Affected: no.

Women's Health and Genetics/Laboratory Corporation of America, LabCorp
Classification: Benign. Last evaluated: 2019-09-14. Review status: criteria provided, single submitter. Criteria: LabCorp Variant Classification Summary - May 2015. Collection method: clinical testing. Allele origin: germline.

Eurofins Ntd Llc (ga)
Classification: Benign. Last evaluated: 2014-05-21. Review status: criteria provided, single submitter. Criteria: EGL Classification Definitions 2015. Collection method: clinical testing. Allele origin: germline. Observed: 1 variant allele, 1 heterozygote.

GeneDx
Classification: Benign. Last evaluated: 2013-04-29. Review status: criteria provided, single submitter. Criteria: GeneDx Variant Classification (06012015). Collection method: clinical testing. Allele origin: germline. Affected: yes.
Comment: This variant is considered likely benign or benign based on one or more of the following criteria: it is a conservative change, it occurs at a poorly conserved position in the protein, it is predicted to be benign by multiple in silico algorithms, and/or has population frequency not consistent with disease.

Breakthrough Genomics
Classification: Benign. Review status: criteria provided, single submitter. Criteria: ACMG Guidelines, 2015. Collection method: not provided. Allele origin: germline. Inheritance: Autosomal recessive inheritance. Affected: yes.

PreventionGenetics, part of Exact Sciences
Classification: Benign. Review status: criteria provided, single submitter. Criteria: ACMG Guidelines, 2015. Collection method: clinical testing. Allele origin: germline.

Clinical Genetics DNA and cytogenetics Diagnostics Lab, Erasmus MC, Erasmus Medical Center
Classification: Benign. Review status: no assertion criteria provided. Collection method: clinical testing. Allele origin: germline. Affected: yes. Study: VKGL Data-share Consensus. Not counted in ClinVar's aggregate classification.

Clinical Genetics, Academic Medical Center
Classification: Benign. Review status: no assertion criteria provided. Collection method: clinical testing. Allele origin: germline. Affected: yes. Study: VKGL Data-share Consensus. Not counted in ClinVar's aggregate classification.

Laboratory of Diagnostic Genome Analysis, Leiden University Medical Center (LUMC)
Classification: Benign. Review status: no assertion criteria provided. Collection method: clinical testing. Allele origin: germline. Affected: yes. Study: VKGL Data-share Consensus. Not counted in ClinVar's aggregate classification.